The following is an entry in ClinVar:

NM_000353.3(TAT):c.43C>T (p.Pro15Ser)

Gene: TAT (tyrosine aminotransferase; minus strand). Cytogenetic location: 16q22.2.
Variant type: single nucleotide variant.
Coding change: c.43C>T on transcript NM_000353.3 (MANE Select); coding-DNA position 43, C replaced by T.
Protein change: p.Pro15Ser; replaces proline 15 with serine.
Molecular consequence: missense variant.
Genome position (GRCh38, 1-based): chr16:71,576,373, G>A on the plus strand (C>T on the coding strand, the complement: TAT is on the minus strand). VCF-style: chr16-71576373-G-A. GRCh37 (hg19) VCF-style: chr16-71610276-G-A.
Other names: p.Pro15Ser; short protein forms P15S.
Identifiers: ClinVar variation 320415 (VCV000320415.18), dbSNP rs74344827, ClinGen allele CA8154097.

ClinVar aggregate classification (germline): Benign. Review status: criteria provided, multiple submitters, no conflicts (2 of 4 stars). 6 submissions from 6 submitters: Benign (6). Last evaluated 2026-02-04.

Conditions:
Tyrosinemia type II (TYRSN2). Also called: KERATOSIS PALMOPLANTARIS WITH CORNEAL DYSTROPHY; OREGON TYPE TYROSINEMIA; TAT DEFICIENCY; TYROSINE AMINOTRANSFERASE DEFICIENCY; TYROSINE TRANSAMINASE DEFICIENCY. Identifiers: Orphanet 28378, MedGen C0268487, MONDO:0010160, OMIM 276600.

Allele frequency attached by ClinVar (database versions not stated): 1000 Genomes Project 0.14357; 1000 Genomes Project 30x 0.14600; gnomAD exomes 0.14897 and 0.15980; ExAC 0.15113; TOPMed 0.15910; gnomAD 0.16609 and 0.16727; ESP Exome Variant Server 0.17575.
gnomAD v4.1: 258,839 of 1,613,932 alleles (16%); highest among the groups gnomAD compares: African/African-American, 19%; 21,610 homozygotes.

Submissions (6):

Labcorp Genetics (formerly Invitae), Labcorp
Classification: Benign for Tyrosinemia type II. Last evaluated: 2026-02-04. Review status: criteria provided, single submitter. Criteria: Invitae Variant Classification Sherloc (09022015). Collection method: clinical testing. Allele origin: germline.

Genome-Nilou Lab
Classification: Benign for Tyrosinemia type II. Last evaluated: 2021-07-15. Review status: criteria provided, single submitter. Criteria: ACMG Guidelines, 2015. Collection method: clinical testing. Allele origin: germline. Affected: no.

Mayo Clinic Laboratories, Mayo Clinic
Classification: Benign. Last evaluated: 2021-02-24. Review status: criteria provided, single submitter. Criteria: ACMG Guidelines, 2015. Collection method: clinical testing. Allele origin: germline. Observed: 13 variant alleles.

Illumina Laboratory Services, Illumina
Classification: Benign for Tyrosinemia type II. Last evaluated: 2018-01-12. Review status: criteria provided, single submitter. Criteria: ICSL Variant Classification Criteria 13 December 2019. Collection method: clinical testing. Allele origin: germline.
Comment: This variant was observed in the ICSL laboratory as part of a predisposition screen in an ostensibly healthy population. It had not been previously curated by ICSL or reported in the Human Gene Mutation Database (HGMD: prior to June 1st, 2018), and was therefore a candidate for classification through an automated scoring system. Utilizing variant allele frequency, disease prevalence and penetrance estimates, and inheritance mode, an automated score was calculated to assess if this variant is too frequent to cause the disease. Based on the score and internal cut-off values, a variant classified as benign is not then subjected to further curation. The score for this variant resulted in a classification of benign for this disease.

GeneDx
Classification: Benign. Last evaluated: 2015-03-03. Review status: criteria provided, single submitter. Criteria: GeneDx Variant Classification Process June 2021. Collection method: clinical testing. Allele origin: germline. Affected: yes.

Breakthrough Genomics
Classification: Benign. Review status: criteria provided, single submitter. Criteria: ACMG Guidelines, 2015. Collection method: not provided. Allele origin: germline. Inheritance: Autosomal recessive inheritance. Affected: yes.